The following is an entry in ClinVar:

NM_000038.6(APC):c.4217A>G (p.Gln1406Arg)

Gene: APC (APC regulator of Wnt signaling pathway; plus strand). Cytogenetic location: 5q22.2.
Variant type: single nucleotide variant.
Coding change: c.4217A>G on transcript NM_000038.6 (MANE Select); coding-DNA position 4217, A replaced by G.
Protein change: p.Gln1406Arg; replaces glutamine 1406 with arginine.
Molecular consequence: missense variant.
Genome position (GRCh38, 1-based): chr5:112,839,811, A>G. VCF-style: chr5-112839811-A-G. GRCh37 (hg19) VCF-style: chr5-112175508-A-G.
Other names: p.Q1406R:CAG>CGG; c.4217A>G, p.Gln1406Arg (NM_001127510.3, NM_001354895.2); c.4163A>G, p.Gln1388Arg (NM_001127511.3); c.4271A>G, p.Gln1424Arg (NM_001354896.2); c.4247A>G, p.Gln1416Arg (NM_001354897.2); c.4142A>G, p.Gln1381Arg (NM_001354898.2); c.4133A>G, p.Gln1378Arg (NM_001354899.2); c.4094A>G, p.Gln1365Arg (NM_001354900.2); and 6 more; short protein forms Q1406R, Q1388R, Q1416R, Q1280R, Q1315R, Q1381R, Q1123R, Q1305R.
Identifiers: ClinVar variation 127293 (VCV000127293.62), dbSNP rs372241082, ClinGen allele CA008973.

ClinVar aggregate classification (germline): Uncertain significance. Review status: criteria provided, multiple submitters, no conflicts (2 of 4 stars). 6 submissions from 6 submitters: Uncertain significance (6). Last evaluated 2025-11-04.

Conditions:
Classic or attenuated familial adenomatous polyposis. Identifiers: MedGen CN372698, MONDO:0021057.
Hereditary cancer-predisposing syndrome. Also called: Hereditary Cancer Syndrome; Hereditary neoplastic syndrome; Tumor predisposition; Neoplastic Syndromes, Hereditary. Identifiers: Orphanet 140162, MedGen C0027672, MeSH D009386, MONDO:0015356.
Familial adenomatous polyposis 1 (FAP1). Also called: FAMILIAL ADENOMATOUS POLYPOSIS 1, ATTENUATED; POLYPOSIS, ADENOMATOUS INTESTINAL. Identifiers: MedGen C2713442, MONDO:0021056, OMIM 175100. Disease mechanism: loss of function.

Allele frequency attached by ClinVar (database versions not stated): gnomAD exomes below 0.00001 and 0.00001; TOPMed below 0.00001; gnomAD 0.00001; ExAC 0.00002; ESP Exome Variant Server 0.00008.
gnomAD v4.1: 7 of 1,614,016 alleles (0.00043%); highest among the groups gnomAD compares: East Asian, 0.0022%; no homozygotes.

Submissions (6):

Color Diagnostics, LLC DBA Color Health
Classification: Uncertain significance for Hereditary cancer-predisposing syndrome. Last evaluated: 2025-11-04. Review status: criteria provided, single submitter. Criteria: ACMG Guidelines, 2015. Collection method: clinical testing. Allele origin: germline.
Comment: This missense variant replaces glutamine with arginine at codon 1406 of the APC protein. Computational prediction suggests that this variant may not impact protein structure and function. APC is defined as a gene for which primarily truncating variants are known to cause disease (ClinGen HCCP VCEP). To our knowledge, functional studies have not been reported for this variant. This variant has not been reported in individuals affected with APC-related disorders in the literature. This variant has been identified in 7/1614016 chromosomes in the general population by the Genome Aggregation Database (gnomAD). The available evidence is insufficient to determine the role of this variant in disease conclusively. Therefore, this variant is classified as a Variant of Uncertain Significance.

Ambry Genetics
Classification: Uncertain significance for Hereditary cancer-predisposing syndrome. Last evaluated: 2025-10-23. Review status: criteria provided, single submitter. Criteria: Ambry Variant Classification Scheme 2023. Collection method: clinical testing. Allele origin: germline.

Labcorp Genetics (formerly Invitae), Labcorp
Classification: Uncertain significance for Familial adenomatous polyposis 1. Last evaluated: 2025-01-22. Review status: criteria provided, single submitter. Criteria: Invitae Variant Classification Sherloc (09022015). Collection method: clinical testing. Allele origin: germline.
Comment: This sequence change replaces glutamine, which is neutral and polar, with arginine, which is basic and polar, at codon 1406 of the APC protein (p.Gln1406Arg). This variant is present in population databases (rs372241082, gnomAD 0.007%). This variant has not been reported in the literature in individuals affected with APC-related conditions. ClinVar contains an entry for this variant (Variation ID: 127293). Invitae Evidence Modeling of protein sequence and biophysical properties (such as structural, functional, and spatial information, amino acid conservation, physicochemical variation, residue mobility, and thermodynamic stability) indicates that this missense variant is not expected to disrupt APC protein function with a negative predictive value of 95%. In summary, the available evidence is currently insufficient to determine the role of this variant in disease. Therefore, it has been classified as a Variant of Uncertain Significance.

Baylor Genetics
Classification: Uncertain significance for Familial adenomatous polyposis 1. Last evaluated: 2023-12-18. Review status: criteria provided, single submitter. Criteria: ACMG Guidelines, 2015. Collection method: clinical testing. Allele origin: unknown.

All of Us Research Program, National Institutes of Health
Classification: Uncertain significance for Classic or attenuated familial adenomatous polyposis. Last evaluated: 2023-11-20. Review status: criteria provided, single submitter. Criteria: ACMG Guidelines, 2015. Collection method: clinical testing. Allele origin: germline. Inheritance: Autosomal dominant inheritance. Observed: 6 variant alleles, 6 heterozygotes.
Comment: This missense variant replaces glutamine with arginine at codon 1406 of the APC protein. Computational prediction suggests that this variant may not impact protein structure and function (internally defined REVEL score threshold <= 0.5, PMID: 27666373). Splice site prediction tools suggest that this variant may not impact RNA splicing. To our knowledge, functional studies have not been reported for this variant. This variant has not been reported in individuals affected with hereditary cancer in the literature. This variant has been identified in 3/251066 chromosomes in the general population by the Genome Aggregation Database (gnomAD). The available evidence is insufficient to determine the role of this variant in disease conclusively. Therefore, this variant is classified as a Variant of Uncertain Significance.

This study involves interpretation of variants in research participants for the purpose of population health screening. Participant phenotype was not available at the time of variant classification. Additional details can be found in publication PMID: 35346344, PMCID: PMC8962531

GeneDx
Classification: Uncertain significance. Last evaluated: 2017-08-07. Review status: criteria provided, single submitter. Criteria: GeneDx Variant Classification (06012015). Collection method: clinical testing. Allele origin: germline. Affected: yes.
Comment: This variant is denoted APC c.4217A>G at the cDNA level, p.Gln1406Arg (Q1406R) at the protein level, and results in the change of a Glutamine to an Arginine (CAG>CGG). This variant has not, to our knowledge, been published in the literature as pathogenic or benign. APC Gln1406Arg was not observed at a significant allele frequency in large population cohorts (NHLBI Exome Sequencing Project, The 1000 Genomes Consortium 2015, Lek 2016). Since Glutamine and Arginine differ in some properties, this is considered a semi-conservative amino acid substitution. APC Gln1406Arg occurs at a position that is conserved in mammals and is located in the 20-amino acid repeat Beta-catenin down-regulating domain (Azzopardi 2008). In silico analyses are inconsistent regarding the effect this variant may have on protein structure and function. Based on currently available evidence, it is unclear whether APC Gln1406Arg is a pathogenic or benign variant. We consider it to be a variant of uncertain significance.